The following is an entry in ClinVar:

NM_001164665.2(KIAA1549):c.4753G>A (p.Val1585Met)

Gene: KIAA1549 (KIAA1549; minus strand). Cytogenetic location: 7q34.
Variant type: single nucleotide variant.
Coding change: c.4753G>A on transcript NM_001164665.2 (MANE Select); coding-DNA position 4753, G replaced by A.
Protein change: p.Val1585Met; replaces valine 1585 with methionine.
Molecular consequence: missense variant.
Genome position (GRCh38, 1-based): chr7:138,869,560, C>T on the plus strand (G>A on the coding strand, the complement: KIAA1549 is on the minus strand). VCF-style: chr7-138869560-C-T. GRCh37 (hg19) VCF-style: chr7-138554306-C-T.
Other names: c.4753G>A, p.Val1585Met (NM_020910.3); short protein forms V1585M.
Identifiers: ClinVar variation 1024361 (VCV001024361.7), dbSNP rs766001165, ClinGen allele CA4505779.

ClinVar aggregate classification (germline): Uncertain significance. Review status: criteria provided, multiple submitters, no conflicts (2 of 4 stars). 2 submissions from 2 submitters: Uncertain significance (2). Last evaluated 2024-09-12.

Allele frequency attached by ClinVar (database versions not stated): gnomAD 0.00003 and 0.00004; gnomAD exomes 0.00005; TOPMed 0.00005; ExAC 0.00011.
gnomAD v4.1: 39 of 1,578,040 alleles (0.0025%); highest among the groups gnomAD compares: Admixed American, 0.013%; no homozygotes.

Submissions (2):

Blueprint Genetics
Classification: Uncertain significance. Last evaluated: 2024-09-12. Review status: criteria provided, single submitter. Criteria: ACMG Guidelines, 2015. Collection method: clinical testing. Allele origin: germline.

Labcorp Genetics (formerly Invitae), Labcorp
Classification: Uncertain significance. Last evaluated: 2022-05-17. Review status: criteria provided, single submitter. Criteria: Invitae Variant Classification Sherloc (09022015). Collection method: clinical testing. Allele origin: germline.
Comment: This sequence change replaces valine, which is neutral and non-polar, with methionine, which is neutral and non-polar, at codon 1585 of the KIAA1549 protein (p.Val1585Met). This variant is present in population databases (rs766001165, gnomAD 0.02%). This variant has not been reported in the literature in individuals affected with KIAA1549-related conditions. ClinVar contains an entry for this variant (Variation ID: 1024361). Algorithms developed to predict the effect of missense changes on protein structure and function are either unavailable or do not agree on the potential impact of this missense change (SIFT: "Deleterious"; PolyPhen-2: "Probably Damaging"; Align-GVGD: "Class C0"). In summary, the available evidence is currently insufficient to determine the role of this variant in disease. Therefore, it has been classified as a Variant of Uncertain Significance.